The following is an entry in ClinVar:

ClinVar aggregate classification (germline): Benign (1 of 4 stars; one submission).

Conditions:
Atypical hemolytic-uremic syndrome. Identifiers: Orphanet 2134, MedGen C2931788, MONDO:0016244.
Basal laminar drusen. Also called: DRUSEN OF BRUCH MEMBRANE; DRUSEN, CUTICULAR; DRUSEN, EARLY ADULT-ONSET, GROUPED. Identifiers: Orphanet 75376, MedGen C0730295, MONDO:0007472, OMIM 126700.
Factor H deficiency (CFHD). Also called: COMPLEMENT FACTOR H DEFICIENCY; CFH DEFICIENCY. Identifiers: Orphanet 200421, MedGen C0398777, MONDO:0012350, OMIM 609814.
Age related macular degeneration 4. Identifiers: MedGen C1853147, MONDO:0012540, OMIM 610698.

gnomAD v4.1: 140,333 of 152,214 alleles (92%); highest among the groups gnomAD compares: East Asian, 100%; 64,886 homozygotes.

Submission:

Genomenon, Inc
Classification: Benign for Basal laminar drusen; Age related macular degeneration 4; Atypical hemolytic-uremic syndrome; Factor H deficiency. Last evaluated: 2025-10-02. Review status: criteria provided, single submitter. Criteria: Genomenon Sequence Variant Interpretation Standards - Updated. Collection method: curation. Allele origin: germline. Affected: no.
Comment: CFH c.2237-601G>T is a deep intronic variant located in intron 14. This variant is present at high allele frequency in population databases. In conclusion, we classify CFH c.2237-601G>T as a benign variant.

NM_000186.4(CFH):c.2237-601G>T

Gene: CFH (complement factor H; plus strand). Cytogenetic location: 1q31.3.
Variant type: single nucleotide variant.
Coding change: c.2237-601G>T on transcript NM_000186.4 (MANE Select); 601 bases into the intron before coding-DNA position 2237, G replaced by T.
Molecular consequence: intron variant.
Genome position (GRCh38, 1-based): chr1:196,727,745, G>T. VCF-style: chr1-196727745-G-T. GRCh37 (hg19) VCF-style: chr1-196696875-G-T.
Identifiers: ClinVar variation 4291458 (VCV004291458.1).
Genomic context (GRCh38, chr1:196,727,745, plus strand): 5'-TCTCTTAAAGCTTCCAAAAGTGATAATTTTTCAGTTTGTTCCATATCAGCCAAAATAAGT[G>T]AATGTGCTGCAGGGTTGGTGGGCCACAGGCCCTCTACATCAGTGGTATAGCTGAGTGGCA-3'